The following is an entry in ClinVar:

NM_015047.3(EMC1):c.1211G>A (p.Arg404Gln)

Genes: EMC1-AS1 (EMC1 antisense RNA 1; plus strand), EMC1 (ER membrane protein complex subunit 1; minus strand). Cytogenetic location: 1p36.13.
Variant type: single nucleotide variant.
Coding change: c.1211G>A on transcript NM_015047.3 (MANE Select); coding-DNA position 1211, G replaced by A.
Protein change: p.Arg404Gln; replaces arginine 404 with glutamine.
Molecular consequence: missense variant.
Genome position (GRCh38, 1-based): chr1:19,238,018, C>T on the plus strand (G>A on the coding strand, the complement: EMC1 is on the minus strand). VCF-style: chr1-19238018-C-T. GRCh37 (hg19) VCF-style: chr1-19564512-C-T.
Other names: c.1208G>A, p.Arg403Gln (NM_001271427.2, NM_001375821.1); c.1211G>A, p.Arg404Gln (NM_001271428.2, NM_001375820.1); c.1145G>A, p.Arg382Gln (NM_001271429.2); short protein forms R382Q, R403Q, R404Q.
Identifiers: ClinVar variation 1365274 (VCV001365274.6), dbSNP rs751785102, ClinGen allele CA652634.
Genomic context (GRCh38, chr1:19,238,018, plus strand): 5'-AAGGAAGCCATGTGCTGAGAAGCCCACAGGACAGTCTGCAAAGAAAGGCTCTGCCTTACC[C>T]GCTCAGGCCGAGTGCCGCTCTGTTCCAGGCTAAATGTTATCGTGGTGTCCAGCAGCCGCC-3'
Protein context (NP_055862.1, residues 394-414): SLEQSGTRPE[Arg404Gln]LYIQVFLKKD

ClinVar aggregate classification (germline): Uncertain significance (1 of 4 stars; one submission).

Allele frequency attached by ClinVar (database versions not stated): gnomAD 0.00001; gnomAD exomes 0.00001 and 0.00002; TOPMed 0.00001; ExAC 0.00004.
gnomAD v4.1: 20 of 1,613,212 alleles (0.0012%); highest among the groups gnomAD compares: South Asian, 0.0099%; no homozygotes.

Submission:

Labcorp Genetics (formerly Invitae), Labcorp
Classification: Uncertain significance. Last evaluated: 2025-09-10. Review status: criteria provided, single submitter. Criteria: Invitae Variant Classification Sherloc (09022015). Collection method: clinical testing. Allele origin: germline.
Comment: This sequence change replaces arginine, which is basic and polar, with glutamine, which is neutral and polar, at codon 404 of the EMC1 protein (p.Arg404Gln). This variant is present in population databases (rs751785102, gnomAD 0.02%). This variant has not been reported in the literature in individuals affected with EMC1-related conditions. ClinVar contains an entry for this variant (Variation ID: 1365274). An algorithm developed to predict the effect of missense changes on protein structure and function outputs the following: PolyPhen-2: "Benign". The glutamine amino acid residue is found in multiple mammalian species, which suggests that this missense change does not adversely affect protein function. In summary, the available evidence is currently insufficient to determine the role of this variant in disease. Therefore, it has been classified as a Variant of Uncertain Significance.